The following is an entry in ClinVar:

NM_003906.5(MCM3AP):c.514G>T (p.Ala172Ser)

Gene: MCM3AP (minichromosome maintenance complex component 3 associated protein; minus strand). Cytogenetic location: 21q22.3.
Variant type: single nucleotide variant.
Coding change: c.514G>T on transcript NM_003906.5 (MANE Select); coding-DNA position 514, G replaced by T.
Protein change: p.Ala172Ser; replaces alanine 172 with serine.
Molecular consequence: missense variant.
Genome position (GRCh38, 1-based): chr21:46,284,773, C>A on the plus strand (G>T on the coding strand, the complement: MCM3AP is on the minus strand). VCF-style: chr21-46284773-C-A. GRCh37 (hg19) VCF-style: chr21-47704687-C-A.
Other names: c.514G>T (NM_003906.3); short protein forms A172S.
Identifiers: ClinVar variation 2972577 (VCV002972577.2), dbSNP rs1246001899, ClinGen allele CA410536548.

ClinVar aggregate classification (germline): Uncertain significance. Review status: criteria provided, multiple submitters, no conflicts (2 of 4 stars). 2 submissions from 2 submitters: Uncertain significance (2). Last evaluated 2024-01-19.

Conditions:
Inborn genetic diseases. Identifiers: MedGen C0950123, MeSH D030342.

Allele frequency attached by ClinVar (database versions not stated): TOPMed below 0.00001; gnomAD 0.00001; gnomAD exomes 0.00001.
gnomAD v4.1: 11 of 1,613,618 alleles (0.00068%); highest among the groups gnomAD compares: Non-Finnish European, 0.00093%; no homozygotes.

Submissions (2):

Ambry Genetics
Classification: Uncertain significance for Inborn genetic diseases. Last evaluated: 2024-01-19. Review status: criteria provided, single submitter. Criteria: Ambry Variant Classification Scheme 2023. Collection method: clinical testing. Allele origin: germline.

Labcorp Genetics (formerly Invitae), Labcorp
Classification: Uncertain significance. Last evaluated: 2023-09-10. Review status: criteria provided, single submitter. Criteria: Invitae Variant Classification Sherloc (09022015). Collection method: clinical testing. Allele origin: germline.
Comment: This sequence change replaces alanine, which is neutral and non-polar, with serine, which is neutral and polar, at codon 172 of the MCM3AP protein (p.Ala172Ser). This variant is present in population databases (no rsID available, gnomAD 0.0009%). This variant has not been reported in the literature in individuals affected with MCM3AP-related conditions. Algorithms developed to predict the effect of missense changes on protein structure and function output the following: SIFT: "Not Available"; PolyPhen-2: "Benign"; Align-GVGD: "Not Available". The serine amino acid residue is found in multiple mammalian species, which suggests that this missense change does not adversely affect protein function. In summary, the available evidence is currently insufficient to determine the role of this variant in disease. Therefore, it has been classified as a Variant of Uncertain Significance.